The following is an entry in ClinVar:

ClinVar aggregate classification (germline): Uncertain significance (1 of 4 stars; one submission).

Conditions:
TMEM165-congenital disorder of glycosylation. Also called: CDG IIk; Congenital disorder of glycosylation type 2k; TMEM165-CDG. Identifiers: Orphanet 314667, MedGen C3553571, MONDO:0013870, OMIM 614727.

Submission:

Labcorp Genetics (formerly Invitae), Labcorp
Classification: Uncertain significance for TMEM165-congenital disorder of glycosylation. Last evaluated: 2022-09-29. Review status: criteria provided, single submitter. Criteria: Invitae Variant Classification Sherloc (09022015). Collection method: clinical testing. Allele origin: germline.
Comment: In summary, the available evidence is currently insufficient to determine the role of this variant in disease. Therefore, it has been classified as a Variant of Uncertain Significance. Algorithms developed to predict the effect of missense changes on protein structure and function (SIFT, PolyPhen-2, Align-GVGD) all suggest that this variant is likely to be tolerated. This variant has not been reported in the literature in individuals affected with TMEM165-related conditions. This variant is not present in population databases (gnomAD no frequency). This sequence change replaces proline, which is neutral and non-polar, with alanine, which is neutral and non-polar, at codon 28 of the TMEM165 protein (p.Pro28Ala).

NM_018475.5(TMEM165):c.82C>G (p.Pro28Ala)

Genes: TMEM165 (transmembrane protein 165; plus strand), LOC129992613 (ATAC-STARR-seq lymphoblastoid silent region 15439; plus strand). Cytogenetic location: 4q12.
Variant type: single nucleotide variant.
Coding change: c.82C>G on transcript NM_018475.5 (MANE Select); coding-DNA position 82, C replaced by G.
Protein change: p.Pro28Ala; replaces proline 28 with alanine.
Molecular consequence: missense variant. On other transcripts: non-coding transcript variant (1).
Genome position (GRCh38, 1-based): chr4:55,396,271, C>G. VCF-style: chr4-55396271-C-G. GRCh37 (hg19) VCF-style: chr4-56262438-C-G.
Other names: short protein forms P28A.
Identifiers: ClinVar variation 1720665 (VCV001720665.6), dbSNP rs2545476529, ClinGen allele CA356958746.